The following is an entry in ClinVar:

ClinVar aggregate classification (germline): Uncertain significance. Review status: criteria provided, multiple submitters, no conflicts (2 of 4 stars). 2 submissions from 2 submitters: Uncertain significance (2). Last evaluated 2024-12-19.

Conditions:
Hereditary cancer-predisposing syndrome. Also called: Neoplastic Syndromes, Hereditary; Hereditary neoplastic syndrome; Tumor predisposition; Hereditary Cancer Syndrome. Identifiers: Orphanet 140162, MedGen C0027672, MeSH D009386, MONDO:0015356.
Birt-Hogg-Dube syndrome. Also called: Birt Hogg Dubé syndrome. Identifiers: Orphanet 122, MedGen C0346010, MONDO:0800444.

gnomAD v4.1: 1 of 1,613,456 alleles (0.000062%); highest among the groups gnomAD compares: Non-Finnish European, 0.000085%; no homozygotes.

Submissions (2):

Ambry Genetics
Classification: Uncertain significance for Hereditary cancer-predisposing syndrome. Last evaluated: 2024-12-19. Review status: criteria provided, single submitter. Criteria: Ambry Variant Classification Scheme 2023. Collection method: clinical testing. Allele origin: germline.
Comment: The p.Q385L variant (also known as c.1154A>T), located in coding exon 7 of the FLCN gene, results from an A to T substitution at nucleotide position 1154. The glutamine at codon 385 is replaced by leucine, an amino acid with dissimilar properties. This amino acid position is not well conserved in available vertebrate species. In addition, the in silico prediction for this alteration is inconclusive. Based on the available evidence, the clinical significance of this variant remains unclear.

Labcorp Genetics (formerly Invitae), Labcorp
Classification: Uncertain significance for Birt-Hogg-Dube syndrome. Last evaluated: 2024-07-24. Review status: criteria provided, single submitter. Criteria: Invitae Variant Classification Sherloc (09022015). Collection method: clinical testing. Allele origin: germline.
Comment: This sequence change replaces glutamine, which is neutral and polar, with leucine, which is neutral and non-polar, at codon 385 of the FLCN protein (p.Gln385Leu). This variant is present in population databases (rs758063582, gnomAD 0.0009%). This variant has not been reported in the literature in individuals affected with FLCN-related conditions. Advanced modeling of protein sequence and biophysical properties (such as structural, functional, and spatial information, amino acid conservation, physicochemical variation, residue mobility, and thermodynamic stability) performed at Invitae indicates that this missense variant is not expected to disrupt FLCN protein function with a negative predictive value of 80%. In summary, the available evidence is currently insufficient to determine the role of this variant in disease. Therefore, it has been classified as a Variant of Uncertain Significance.

NM_144997.7(FLCN):c.1154A>T (p.Gln385Leu)

Gene: FLCN (folliculin; minus strand). Cytogenetic location: 17p11.2.
Variant type: single nucleotide variant.
Coding change: c.1154A>T on transcript NM_144997.7 (MANE Select); coding-DNA position 1154, A replaced by T.
Protein change: p.Gln385Leu; replaces glutamine 385 with leucine.
Molecular consequence: missense variant.
Genome position (GRCh38, 1-based): chr17:17,217,091, T>A on the plus strand (A>T on the coding strand, the complement: FLCN is on the minus strand). VCF-style: chr17-17217091-T-A. GRCh37 (hg19) VCF-style: chr17-17120405-T-A.
Other names: c.1154A>T, p.Gln385Leu (NM_001353230.2, NM_001353231.2); c.1208A>T, p.Gln403Leu (NM_001353229.2); short protein forms Q385L, Q403L.
Identifiers: ClinVar variation 3660431 (VCV003660431.3).